The following is an entry in ClinVar:

NM_182972.3(IRF2BP2):c.1672G>C (p.Val558Leu)

Gene: IRF2BP2 (interferon regulatory factor 2 binding protein 2; minus strand). Cytogenetic location: 1q42.3.
Variant type: single nucleotide variant.
Coding change: c.1672G>C on transcript NM_182972.3 (MANE Select); coding-DNA position 1672, G replaced by C.
Protein change: p.Val558Leu; replaces valine 558 with leucine.
Molecular consequence: missense variant.
Genome position (GRCh38, 1-based): chr1:234,607,229, C>G on the plus strand (G>C on the coding strand, the complement: IRF2BP2 is on the minus strand). VCF-style: chr1-234607229-C-G. GRCh37 (hg19) VCF-style: chr1-234742975-C-G.
Other names: c.1624G>C, p.Val542Leu (NM_001077397.1); short protein forms V542L, V558L.
Identifiers: ClinVar variation 2104574 (VCV002104574.4), dbSNP rs747870654, ClinGen allele CA345304979.

ClinVar aggregate classification (germline): Uncertain significance (1 of 4 stars; one submission).

gnomAD v4.1: 2 of 1,614,228 alleles (0.00012%); highest among the groups gnomAD compares: Admixed American, 0.0017%; no homozygotes.

Submission:

Labcorp Genetics (formerly Invitae), Labcorp
Classification: Uncertain significance. Last evaluated: 2025-08-03. Review status: criteria provided, single submitter. Criteria: Invitae Variant Classification Sherloc (09022015). Collection method: clinical testing. Allele origin: germline.
Comment: This sequence change replaces valine, which is neutral and non-polar, with leucine, which is neutral and non-polar, at codon 558 of the IRF2BP2 protein (p.Val558Leu). This variant is not present in population databases (gnomAD no frequency). This variant has not been reported in the literature in individuals affected with IRF2BP2-related conditions. ClinVar contains an entry for this variant (Variation ID: 2104574). An algorithm developed to predict the effect of missense changes on protein structure and function (PolyPhen-2) suggests that this variant is likely to be disruptive. In summary, the available evidence is currently insufficient to determine the role of this variant in disease. Therefore, it has been classified as a Variant of Uncertain Significance.